The following is an entry in ClinVar:

ClinVar aggregate classification (germline): Uncertain significance. Review status: criteria provided, multiple submitters, no conflicts (2 of 4 stars). 2 submissions from 2 submitters: Uncertain significance (2). Last evaluated 2025-01-13.

Conditions:
Severe combined immunodeficiency due to DNA-PKcs deficiency. Also called: IMMUNODEFICIENCY 26 WITH NEUROLOGIC ABNORMALITIES; Immunodeficiency 26 with or without neurologic abnormalities. Identifiers: Orphanet 317425, MedGen C4014833, MONDO:0014423, OMIM 615966.

Allele frequency attached by ClinVar (database versions not stated): gnomAD exomes 0.00005 and 0.00011; ESP Exome Variant Server 0.00008; gnomAD 0.00010 and 0.00011; TOPMed 0.00010; ExAC 0.00014.
gnomAD v4.1: 166 of 1,593,484 alleles (0.01%); highest among the groups gnomAD compares: Middle Eastern, 0.017%; no homozygotes.

Submissions (2):

Labcorp Genetics (formerly Invitae), Labcorp
Classification: Uncertain significance for Severe combined immunodeficiency due to DNA-PKcs deficiency. Last evaluated: 2025-01-13. Review status: criteria provided, single submitter. Criteria: Invitae Variant Classification Sherloc (09022015). Collection method: clinical testing. Allele origin: germline.
Comment: This sequence change replaces arginine, which is basic and polar, with glutamine, which is neutral and polar, at codon 2452 of the PRKDC protein (p.Arg2452Gln). This variant is present in population databases (rs374149944, gnomAD 0.01%). This variant has not been reported in the literature in individuals affected with PRKDC-related conditions. ClinVar contains an entry for this variant (Variation ID: 1025400). Invitae Evidence Modeling of protein sequence and biophysical properties (such as structural, functional, and spatial information, amino acid conservation, physicochemical variation, residue mobility, and thermodynamic stability) indicates that this missense variant is not expected to disrupt PRKDC protein function with a negative predictive value of 80%. In summary, the available evidence is currently insufficient to determine the role of this variant in disease. Therefore, it has been classified as a Variant of Uncertain Significance.

Blueprint Genetics
Classification: Uncertain significance. Last evaluated: 2023-11-24. Review status: criteria provided, single submitter. Criteria: ACMG Guidelines, 2015. Collection method: clinical testing. Allele origin: germline.

NM_006904.7(PRKDC):c.7355G>A (p.Arg2452Gln)

Gene: PRKDC (protein kinase, DNA-activated, catalytic subunit; minus strand). Cytogenetic location: 8q11.21.
Variant type: single nucleotide variant.
Coding change: c.7355G>A on transcript NM_006904.7 (MANE Select); coding-DNA position 7355, G replaced by A.
Protein change: p.Arg2452Gln; replaces arginine 2452 with glutamine.
Molecular consequence: missense variant.
Genome position (GRCh38, 1-based): chr8:47,840,115, C>T on the plus strand (G>A on the coding strand, the complement: PRKDC is on the minus strand). VCF-style: chr8-47840115-C-T. GRCh37 (hg19) VCF-style: chr8-48752676-C-T.
Other names: c.7355G>A, p.Arg2452Gln (NM_001081640.2); short protein forms R2452Q.
Identifiers: ClinVar variation 1025400 (VCV001025400.6), dbSNP rs374149944, ClinGen allele CA4740128.